The following is an entry in ClinVar:

ClinVar aggregate classification (germline): Uncertain significance. Review status: criteria provided, multiple submitters, no conflicts (2 of 4 stars). 2 submissions from 2 submitters: Uncertain significance (2). Last evaluated 2025-11-28.

Conditions:
Muscle AMP deaminase deficiency (MMDD). Also called: Myoadenylate deaminase deficiency, myopathy due to; Adenosine monophosphate deaminase 1 deficiency; AMP deaminase 1 deficiency; Adenosine Monophosphate Deaminase 1; ADENOSINE MONOPHOSPHATE DEAMINASE-1 DEFICIENCY, MYOPATHY DUE TO; AMPD1 DEFICIENCY. Identifiers: Orphanet 45, MedGen C3714933, MONDO:0014220, OMIM 615511.
Inborn genetic diseases. Identifiers: MedGen C0950123, MeSH D030342.

Allele frequency attached by ClinVar (database versions not stated): ExAC 0.00002; gnomAD exomes 0.00004; TOPMed 0.00005; gnomAD 0.00006; ESP Exome Variant Server 0.00015.
gnomAD v4.1: 67 of 1,614,014 alleles (0.0042%); highest among the groups gnomAD compares: Non-Finnish European, 0.0054%; no homozygotes.

Submissions (2):

Labcorp Genetics (formerly Invitae), Labcorp
Classification: Uncertain significance for Muscle AMP deaminase deficiency. Last evaluated: 2025-11-28. Review status: criteria provided, single submitter. Criteria: Invitae Variant Classification Sherloc (09022015). Collection method: clinical testing. Allele origin: germline.
Comment: This sequence change replaces tyrosine, which is neutral and polar, with aspartic acid, which is acidic and polar, at codon 762 of the AMPD1 protein (p.Tyr762Asp). This variant is present in population databases (rs144543642, gnomAD 0.01%). This variant has not been reported in the literature in individuals affected with AMPD1-related conditions. ClinVar contains an entry for this variant (Variation ID: 3116605). Invitae Evidence Modeling of protein sequence and biophysical properties (such as structural, functional, and spatial information, amino acid conservation, physicochemical variation, residue mobility, and thermodynamic stability) indicates that this missense variant is not expected to disrupt AMPD1 protein function with a negative predictive value of 80%. In summary, the available evidence is currently insufficient to determine the role of this variant in disease. Therefore, it has been classified as a Variant of Uncertain Significance.

Ambry Genetics
Classification: Uncertain significance for Inborn genetic diseases. Last evaluated: 2021-09-17. Review status: criteria provided, single submitter. Criteria: Ambry Variant Classification Scheme 2023. Collection method: clinical testing. Allele origin: germline.

NM_000036.3(AMPD1):c.2185T>G (p.Tyr729Asp)

Gene: AMPD1 (adenosine monophosphate deaminase 1; minus strand). Cytogenetic location: 1p13.2.
Variant type: single nucleotide variant.
Coding change: c.2185T>G on transcript NM_000036.3 (MANE Select); coding-DNA position 2185, T replaced by G.
Protein change: p.Tyr729Asp; replaces tyrosine 729 with aspartic acid.
Molecular consequence: missense variant.
Genome position (GRCh38, 1-based): chr1:114,673,173, A>C on the plus strand (T>G on the coding strand, the complement: AMPD1 is on the minus strand). VCF-style: chr1-114673173-A-C. GRCh37 (hg19) VCF-style: chr1-115215794-A-C.
Other names: c.2173T>G, p.Tyr725Asp (NM_001172626.2); short protein forms Y729D, Y725D.
Identifiers: ClinVar variation 3116605 (VCV003116605.3), dbSNP rs144543642, ClinGen allele CA1019905.